The following is an entry in ClinVar:

NM_175875.5(SIX5):c.297C>A (p.Leu99=)

Genes: DM1-AS (DM1 locus antisense RNA; plus strand), SIX5 (SIX homeobox 5; minus strand), LOC107075317 (origin of replication in DMPK trinucleotide repeat region; plus strand). Cytogenetic location: 19q13.32.
Variant type: single nucleotide variant.
Coding change: c.297C>A on transcript NM_175875.5 (MANE Select); coding-DNA position 297, C replaced by A.
Protein change: p.Leu99=; no amino-acid change (leucine 99 retained).
Molecular consequence: synonymous variant.
Genome position (GRCh38, 1-based): chr19:45,768,548, G>T on the plus strand (C>A on the coding strand, the complement: SIX5 is on the minus strand). VCF-style: chr19-45768548-G-T. GRCh37 (hg19) VCF-style: chr19-46271806-G-T.
Identifiers: ClinVar variation 3057378 (VCV003057378.2), dbSNP rs2513605349, ClinGen allele CA507961595.

ClinVar aggregate classification (germline): Likely benign (0 of 4 stars; one submission).

Conditions:
SIX5-related disorder. Also called: SIX5-related condition.

Submission:

PreventionGenetics, part of Exact Sciences
Classification: Likely benign for SIX5-related condition. Last evaluated: 2020-03-05. Review status: no assertion criteria provided. Collection method: clinical testing. Allele origin: germline.
Comment: This variant is classified as likely benign based on ACMG/AMP sequence variant interpretation guidelines (Richards et al. 2015 PMID: 25741868, with internal and published modifications).